The following is an entry in ClinVar:

ClinVar aggregate classification (germline): Pathogenic/Likely pathogenic. Review status: criteria provided, multiple submitters, no conflicts (2 of 4 stars). 5 submissions from 5 submitters: Pathogenic (3); Likely pathogenic (1). 1 of the submissions does not count toward it. Last evaluated 2025-11-04.

Conditions:
Autosomal recessive congenital ichthyosis 1 (LI1). Also called: ICHTHYOSIS CONGENITA; ICHTHYOSIS CONGENITA II; LAMELLAR EXFOLIATION OF NEWBORN; ICHTHYOSIS, CONGENITAL, AUTOSOMAL RECESSIVE 1, WITH OR WITHOUT BATHING SUIT DISTRIBUTION; ICHTHYOSIS, CONGENITAL, AUTOSOMAL RECESSIVE 1, WITH BATHING SUIT DISTRIBUTION; COLLODION FETUS. Identifiers: MedGen C4551630, MONDO:0009441, OMIM 242300.

Allele frequency attached by ClinVar (database versions not stated): gnomAD 0.00001.

Submissions (5):

Natera, Inc.
Classification: Likely pathogenic for Autosomal recessive congenital ichthyosis type 1. Last evaluated: 2025-11-04. Review status: criteria provided, single submitter. Criteria: Natera Variant Classification Schema (03/2026). Collection method: clinical testing. Allele origin: germline.
Comment: The c.184G>T variant in TGM1 is a nonsense variant predicted to introduce a stop codon at amino acid 62. This variant is expected to result in nonsense mediated decay, truncation, or a dysfunctional protein product. This variant is rare in the general population with a frequency below the threshold expected for the associated phenotype(s). Given the available evidence, this variant is classified as Likely Pathogenic.

Labcorp Genetics (formerly Invitae), Labcorp
Classification: Pathogenic. Last evaluated: 2023-02-18. Review status: criteria provided, single submitter. Criteria: Invitae Variant Classification Sherloc (09022015). Collection method: clinical testing. Allele origin: germline.
Comment: ClinVar contains an entry for this variant (Variation ID: 280810). This sequence change creates a premature translational stop signal (p.Gly62*) in the TGM1 gene. It is expected to result in an absent or disrupted protein product. Loss-of-function variants in TGM1 are known to be pathogenic (PMID: 18948357, 19241467). This variant is present in population databases (no rsID available, gnomAD 0.01%). This variant has not been reported in the literature in individuals affected with TGM1-related conditions. Algorithms developed to predict the effect of sequence changes on RNA splicing suggest that this variant may create or strengthen a splice site. For these reasons, this variant has been classified as Pathogenic.

GeneDx
Classification: Pathogenic. Last evaluated: 2022-11-21. Review status: criteria provided, single submitter. Criteria: GeneDx Variant Classification Process June 2021. Collection method: clinical testing. Allele origin: germline. Affected: yes.
Comment: Has not been previously published as pathogenic or benign to our knowledge; Nonsense variant predicted to result in protein truncation or nonsense mediated decay in a gene for which loss-of-function is a known mechanism of disease; Not observed at a significant frequency in large population cohorts (gnomAD)

Genome-Nilou Lab
Classification: Pathogenic for Autosomal recessive congenital ichthyosis 1. Review status: criteria provided, single submitter. Criteria: ACMG Guidelines, 2015. Collection method: clinical testing. Allele origin: germline.

Counsyl
Classification: Likely pathogenic for Autosomal recessive congenital ichthyosis 1. Last evaluated: 2017-06-16. Review status: no assertion criteria provided. Collection method: clinical testing. Allele origin: unknown. Not counted in ClinVar's aggregate classification.

Literature cited by the submitters: PubMed 18948357 (cited by Labcorp Genetics (formerly Invitae), Labcorp); PubMed 19241467 (cited by Labcorp Genetics (formerly Invitae), Labcorp).

NM_000359.3(TGM1):c.184G>T (p.Gly62Ter)

Gene: TGM1 (transglutaminase 1; minus strand). Cytogenetic location: 14q12.
Variant type: single nucleotide variant.
Coding change: c.184G>T on transcript NM_000359.3 (MANE Select); coding-DNA position 184, G replaced by T.
Protein change: p.Gly62Ter; replaces glycine 62 with a stop codon.
Molecular consequence: nonsense.
Genome position (GRCh38, 1-based): chr14:24,262,169, C>A on the plus strand (G>T on the coding strand, the complement: TGM1 is on the minus strand). VCF-style: chr14-24262169-C-A. GRCh37 (hg19) VCF-style: chr14-24731375-C-A.
Other names: short protein forms G62*.
Identifiers: ClinVar variation 280810 (VCV000280810.14), dbSNP rs886041950, ClinGen allele CA10603315.